The following is an entry in ClinVar:

NM_007118.4(TRIO):c.5689del (p.Arg1897fs)

Gene: TRIO (trio Rho guanine nucleotide exchange factor; plus strand). Cytogenetic location: 5p15.2.
Variant type: Deletion.
Coding change: c.5689del on transcript NM_007118.4 (MANE Select); coding-DNA position 5689, one base deleted (C; older notation c.5689delC).
Protein change: p.Arg1897fs; shifts the reading frame from arginine 1897.
Molecular consequence: frameshift variant. On other transcripts: non-coding transcript variant (1).
Genome position (GRCh38, 1-based): chr5:14,465,566, C deleted; the last of 2 consecutive C bases (chr5:14,465,565-14,465,566); deleting either gives the same sequence. VCF-style (leftmost placement, unchanged base first): chr5-14465564-TC-T. GRCh37 (hg19) VCF-style: chr5-14465673-TC-T.
Other names: short protein forms R1897fs.
Identifiers: ClinVar variation 3393441 (VCV003393441.1).
Genomic context (GRCh38, chr5:14,465,564, plus strand): 5'-GCCCTTGCCCCACCCCCTCCTTTTCTTAATTTCTTCTGTAGGCCTCTTCTCGGTTATTAG[TC>T]CGCCCCACCAGCTCCGAAACACCGAGTGCAGCCGAGCTCGTCAGTGCAATTGAGGAACTC-3'

ClinVar aggregate classification (germline): Likely pathogenic (1 of 4 stars; one submission).

Conditions:
Intellectual developmental disorder, autosomal dominant 44, with microcephaly. Also called: TRIO-Related Intellectual Disability; Micrognathia-recurrent infections-behavioral abnormalities-mild intellectual disability syndrome. Identifiers: Orphanet 476126, MedGen C4310740, MONDO:0014892, OMIM 617061.

Submission:

Department of Human Genetics, Hannover Medical School
Classification: Likely pathogenic for Intellectual developmental disorder, autosomal dominant 44, with microcephaly. Last evaluated: 2025-01-06. Review status: criteria provided, single submitter. Criteria: ACMG Guidelines, 2015. Collection method: clinical testing. Allele origin: germline. Inheritance: Autosomal dominant inheritance. Affected: yes.
Comment: ACMG: PVS1, PM2_Supporting